The following is an entry in ClinVar:

NM_003489.4(NRIP1):c.2186A>G (p.Glu729Gly)

Gene: NRIP1 (nuclear receptor interacting protein 1; minus strand). Cytogenetic location: 21q11.2.
Variant type: single nucleotide variant.
Coding change: c.2186A>G on transcript NM_003489.4 (MANE Select); coding-DNA position 2186, A replaced by G.
Protein change: p.Glu729Gly; replaces glutamic acid 729 with glycine.
Molecular consequence: missense variant.
Genome position (GRCh38, 1-based): chr21:14,966,007, T>C on the plus strand (A>G on the coding strand, the complement: NRIP1 is on the minus strand). VCF-style: chr21-14966007-T-C. GRCh37 (hg19) VCF-style: chr21-16338328-T-C.
Other names: short protein forms E729G.
Identifiers: ClinVar variation 3017561 (VCV003017561.3), dbSNP rs769731808, ClinGen allele CA409828446.

ClinVar aggregate classification (germline): Uncertain significance (1 of 4 stars; one submission).

Allele frequency attached by ClinVar (database versions not stated): TOPMed below 0.00001; gnomAD 0.00001.
gnomAD v4.1: 1 of 1,611,580 alleles (0.000062%); highest among the groups gnomAD compares: Non-Finnish European, 0.000085%; no homozygotes.

Submission:

Labcorp Genetics (formerly Invitae), Labcorp
Classification: Uncertain significance. Last evaluated: 2024-07-26. Review status: criteria provided, single submitter. Criteria: Invitae Variant Classification Sherloc (09022015). Collection method: clinical testing. Allele origin: germline.
Comment: This sequence change replaces glutamic acid, which is acidic and polar, with glycine, which is neutral and non-polar, at codon 729 of the NRIP1 protein (p.Glu729Gly). This variant is not present in population databases (gnomAD no frequency). This variant has not been reported in the literature in individuals affected with NRIP1-related conditions. An algorithm developed to predict the effect of missense changes on protein structure and function (PolyPhen-2) suggests that this variant is likely to be tolerated. In summary, the available evidence is currently insufficient to determine the role of this variant in disease. Therefore, it has been classified as a Variant of Uncertain Significance.